The following is an entry in ClinVar:

NM_001308093.3(GATA4):c.94G>A (p.Ala32Thr)

Gene: GATA4 (GATA binding protein 4). Cytogenetic location: 8p23.1.
Variant type: single nucleotide variant.
Coding change: c.94G>A on transcript NM_001308093.3 (MANE Select); coding-DNA position 94, G replaced by A.
Protein change: p.Ala32Thr; replaces alanine 32 with threonine.
Molecular consequence: missense variant. On other transcripts: intron variant (3).
Genome position (GRCh38, 1-based): chr8:11,708,406, G>A. VCF-style: chr8-11708406-G-A. GRCh37 (hg19) VCF-style: chr8-11565915-G-A.
Other names: c.94G>A, p.Ala32Thr (NM_002052.5); c.-6+7628G>A (NM_001308094.2); c.-3+392G>A (NM_001374274.1); c.-3+4102G>A (NM_001374273.1); short protein forms A32T.
Identifiers: ClinVar variation 518796 (VCV000518796.13), dbSNP rs773545065, ClinGen allele CA4630608.

ClinVar aggregate classification (germline): Uncertain significance. Review status: criteria provided, multiple submitters, no conflicts (2 of 4 stars). 2 submissions from 2 submitters: Uncertain significance (2). Last evaluated 2025-08-03.

Conditions:
Cardiovascular phenotype. Identifiers: MedGen CN230736.
Atrioventricular septal defect 4 (AVSD4). Identifiers: MedGen C3280781, MONDO:0013747, OMIM 614430.

Allele frequency attached by ClinVar (database versions not stated): gnomAD exomes 0.00001 and 0.00002; TOPMed 0.00001; ExAC 0.00007.

Submissions (2):

Labcorp Genetics (formerly Invitae), Labcorp
Classification: Uncertain significance for Atrioventricular septal defect 4. Last evaluated: 2025-08-03. Review status: criteria provided, single submitter. Criteria: Invitae Variant Classification Sherloc (09022015). Collection method: clinical testing. Allele origin: germline.
Comment: This sequence change replaces alanine, which is neutral and non-polar, with threonine, which is neutral and polar, at codon 32 of the GATA4 protein (p.Ala32Thr). The frequency data for this variant in the population databases is considered unreliable, as metrics indicate poor data quality at this position in the gnomAD database. This variant has not been reported in the literature in individuals affected with GATA4-related conditions. ClinVar contains an entry for this variant (Variation ID: 518796). Invitae Evidence Modeling of protein sequence and biophysical properties (such as structural, functional, and spatial information, amino acid conservation, physicochemical variation, residue mobility, and thermodynamic stability) indicates that this missense variant is not expected to disrupt GATA4 protein function with a negative predictive value of 95%. In summary, the available evidence is currently insufficient to determine the role of this variant in disease. Therefore, it has been classified as a Variant of Uncertain Significance.

Ambry Genetics
Classification: Uncertain significance for Cardiovascular phenotype. Last evaluated: 2025-05-05. Review status: criteria provided, single submitter. Criteria: Ambry Variant Classification Scheme 2023. Collection method: clinical testing. Allele origin: germline.
Comment: The p.A32T variant (also known as c.94G>A), located in coding exon 1 of the GATA4 gene, results from a G to A substitution at nucleotide position 94. The alanine at codon 32 is replaced by threonine, an amino acid with similar properties. Based on data from ExAC, the A allele has an overall frequency of less than 0.01% (1/14019). This variant was not reported in population based cohorts in the following databases: Database of Single Nucleotide Polymorphisms (dbSNP), NHLBI Exome Sequencing Project (ESP), and 1000 Genomes Project. In the ESP, this variant was not observed in 4784 samples (9568 alleles) with coverage at this position. This amino acid position is well conserved in available vertebrate species. In addition, the in silico prediction for this alteration is inconclusive. Since supporting evidence is limited at this time, the clinical significance of this alteration remains unclear.